The following is an entry in ClinVar:

NM_020975.6(RET):c.2489G>A (p.Gly830Glu)

Gene: RET (ret proto-oncogene; plus strand). Cytogenetic location: 10q11.21.
Variant type: single nucleotide variant.
Coding change: c.2489G>A on transcript NM_020975.6 (MANE Select); coding-DNA position 2489, G replaced by A.
Protein change: p.Gly830Glu; replaces glycine 830 with glutamic acid.
Molecular consequence: missense variant.
Genome position (GRCh38, 1-based): chr10:43,119,627, G>A. VCF-style: chr10-43119627-G-A. GRCh37 (hg19) VCF-style: chr10-43615075-G-A.
Other names: c.2354G>A, p.Gly785Glu (NM_001406763.1, NM_001406765.1); c.2360G>A, p.Gly787Glu (NM_001406764.1, NM_001406761.1, NM_001406762.1); c.2201G>A, p.Gly734Glu (NM_001406766.1, NM_001406767.1, NM_001406770.1); c.2225G>A, p.Gly742Glu (NM_001406768.1); c.2093G>A, p.Gly698Glu (NM_001406769.1, NM_001406772.1); c.2051G>A, p.Gly684Glu (NM_001406771.1, NM_001406773.1); c.1964G>A, p.Gly655Glu (NM_001406774.1); c.1763G>A, p.Gly588Glu (NM_001406775.1, NM_001406776.1, NM_001406777.1 and 1 more transcripts); and 10 more; short protein forms G576E, G830E, G347E, G435E, G742E, G500E, G531E, G395E.
Identifiers: ClinVar variation 1480116 (VCV001480116.10), dbSNP rs1159027752, ClinGen allele CA376556362.

ClinVar aggregate classification (germline): Uncertain significance. Review status: criteria provided, multiple submitters, no conflicts (2 of 4 stars). 3 submissions from 3 submitters: Uncertain significance (3). Last evaluated 2023-11-30.

Conditions:
Multiple endocrine neoplasia, type 2 (MEN2). Identifiers: Orphanet 653, MedGen C4048306, MONDO:0019003. Disease mechanism: gain of function.
Hereditary cancer-predisposing syndrome. Also called: Tumor predisposition; Hereditary Cancer Syndrome; Hereditary neoplastic syndrome; Neoplastic Syndromes, Hereditary. Identifiers: Orphanet 140162, MedGen C0027672, MeSH D009386, MONDO:0015356.

Allele frequency attached by ClinVar (database versions not stated): gnomAD exomes below 0.00001.
gnomAD v4.1: 1 of 1,612,886 alleles (0.000062%); highest among the groups gnomAD compares: Admixed American, 0.0017%; no homozygotes.

Submissions (3):

All of Us Research Program, National Institutes of Health
Classification: Uncertain significance for Multiple endocrine neoplasia, type 2. Last evaluated: 2023-11-30. Review status: criteria provided, single submitter. Criteria: ACMG Guidelines, 2015. Collection method: clinical testing. Allele origin: germline. Inheritance: Autosomal dominant inheritance. Observed: 2 variant alleles, 2 heterozygotes.
Comment: This study involves interpretation of variants in research participants for the purpose of population health screening. Participant phenotype was not available at the time of variant classification. Additional details can be found in publication PMID: 35346344, PMCID: PMC8962531

Labcorp Genetics (formerly Invitae), Labcorp
Classification: Uncertain significance for Multiple endocrine neoplasia, type 2. Last evaluated: 2023-08-17. Review status: criteria provided, single submitter. Criteria: Invitae Variant Classification Sherloc (09022015). Collection method: clinical testing. Allele origin: germline.
Comment: This sequence change replaces glycine, which is neutral and non-polar, with glutamic acid, which is acidic and polar, at codon 830 of the RET protein (p.Gly830Glu). This variant is present in population databases (no rsID available, gnomAD 0.003%). This variant has not been reported in the literature in individuals affected with RET-related conditions. ClinVar contains an entry for this variant (Variation ID: 1480116). An algorithm developed to predict the effect of missense changes on protein structure and function (PolyPhen-2) suggests that this variant is likely to be tolerated. In summary, the available evidence is currently insufficient to determine the role of this variant in disease. Therefore, it has been classified as a Variant of Uncertain Significance.

Ambry Genetics
Classification: Uncertain significance for Hereditary cancer-predisposing syndrome. Last evaluated: 2023-07-30. Review status: criteria provided, single submitter. Criteria: Ambry Variant Classification Scheme 2023. Collection method: clinical testing. Allele origin: germline.
Comment: The p.G830E variant (also known as c.2489G>A), located in coding exon 14 of the RET gene, results from a G to A substitution at nucleotide position 2489. The glycine at codon 830 is replaced by glutamic acid, an amino acid with similar properties. This amino acid position is conserved. In addition, this alteration is predicted to be tolerated by in silico analysis. Since supporting evidence is limited at this time, the clinical significance of this alteration remains unclear.